The following is an entry in ClinVar:

NM_024333.3(FSD1):c.1056C>T (p.Asp352=)

Gene: FSD1 (fibronectin type III and SPRY domain containing 1; plus strand). Cytogenetic location: 19p13.3.
Variant type: single nucleotide variant.
Coding change: c.1056C>T on transcript NM_024333.3 (MANE Select); coding-DNA position 1056, C replaced by T.
Protein change: p.Asp352=; no amino-acid change (aspartic acid 352 retained).
Molecular consequence: synonymous variant.
Genome position (GRCh38, 1-based): chr19:4,323,002, C>T. VCF-style: chr19-4323002-C-T. GRCh37 (hg19) VCF-style: chr19-4322999-C-T.
Other names: c.1056C>T, p.Asp352= (NM_001330429.2).
Identifiers: ClinVar variation 2649033 (VCV002649033.24), dbSNP rs767149220, ClinGen allele CA9095075.

ClinVar aggregate classification (germline): Likely benign (1 of 4 stars; one submission).

Allele frequency attached by ClinVar (database versions not stated): ExAC 0.00002; gnomAD 0.00003; TOPMed 0.00003.

Submission:

CeGaT Center for Human Genetics Tuebingen
Classification: Likely benign. Last evaluated: 2023-01-01. Review status: criteria provided, single submitter. Criteria: CeGaT Center For Human Genetics Tuebingen Variant Classification Criteria Version 2. Collection method: clinical testing. Allele origin: germline. Affected: yes. Observed: 1 variant allele.
Comment: FSD1: BP4, BP7